The following is an entry in ClinVar:

NM_000410.4(HFE):c.968del (p.Gly323fs)

Gene: HFE (homeostatic iron regulator; plus strand). Cytogenetic location: 6p22.2.
Variant type: Deletion.
Coding change: c.968del on transcript NM_000410.4 (MANE Select); coding-DNA position 968, one base deleted (G; older notation c.968delG).
Protein change: p.Gly323fs; shifts the reading frame from glycine 323.
Molecular consequence: frameshift variant.
Genome position (GRCh38, 1-based): chr6:26,093,194, G deleted; the last of 2 consecutive G bases (chr6:26,093,193-26,093,194); deleting either gives the same sequence. VCF-style (leftmost placement, unchanged base first): chr6-26093192-TG-T. GRCh37 (hg19) VCF-style: chr6-26093420-TG-T.
Other names: c.968delG, p.Gly323Glufs (NM_000410.3, NM_001300749.3); c.968del, p.Gly323fs (NM_001384164.1); c.959delG, p.Gly320Glufs (NM_001406751.1); c.704delG, p.Gly235Glufs (NM_001406752.1); c.650del, p.Gly217fs (NM_139003.3); c.692del, p.Gly231fs (NM_139004.3); c.926del, p.Gly309fs (NM_139006.3); c.704del, p.Gly235fs (NM_139007.3); and 4 more; short protein forms G231fs, G309fs, G300fs, G235fs, G51fs, G143fs, G217fs, G221fs.
Identifiers: ClinVar variation 968749 (VCV000968749.10), dbSNP rs766108842, ClinGen allele CA3666788.

ClinVar aggregate classification (germline): Uncertain significance (1 of 4 stars; one submission).

Conditions:
Hereditary hemochromatosis (HFE). Identifiers: MedGen C0392514, MONDO:0006507. Disease mechanism: loss of function.

Submission:

Labcorp Genetics (formerly Invitae), Labcorp
Classification: Uncertain significance for Hereditary hemochromatosis. Last evaluated: 2024-03-05. Review status: criteria provided, single submitter. Criteria: Invitae Variant Classification Sherloc (09022015). Collection method: clinical testing. Allele origin: germline.
Comment: This sequence change creates a premature translational stop signal (p.Gly323Glufs*5) in the HFE gene. While this is not anticipated to result in nonsense mediated decay, it is expected to disrupt the last 26 amino acid(s) of the HFE protein. This variant is present in population databases (rs766108842, gnomAD 0.007%). This variant has not been reported in the literature in individuals affected with HFE-related conditions. ClinVar contains an entry for this variant (Variation ID: 968749). Experimental studies and prediction algorithms are not available or were not evaluated, and the functional significance of this variant is currently unknown. Algorithms developed to predict the effect of sequence changes on RNA splicing suggest that this variant may disrupt the consensus splice site. In summary, the available evidence is currently insufficient to determine the role of this variant in disease. Therefore, it has been classified as a Variant of Uncertain Significance.